The following is an entry in ClinVar:

NM_015443.4(KANSL1):c.1270G>A (p.Glu424Lys)

Gene: KANSL1 (KAT8 regulatory NSL complex subunit 1). Cytogenetic location: 17q21.31.
Variant type: single nucleotide variant.
Coding change: c.1270G>A on transcript NM_015443.4 (MANE Select); coding-DNA position 1270, G replaced by A.
Protein change: p.Glu424Lys; replaces glutamic acid 424 with lysine.
Molecular consequence: missense variant.
Genome position (GRCh38, 1-based): chr17:46,170,874, C>T on the plus strand (G>A on the coding strand, the complement: KANSL1 is on the minus strand). VCF-style: chr17-46170874-C-T. GRCh37 (hg19) VCF-style: chr17-44248240-C-T.
Other names: c.1270G>A, p.Glu424Lys (NM_001193465.2, NM_001193466.2, NM_001379198.1); short protein forms E424K.
Identifiers: ClinVar variation 382840 (VCV000382840.6), dbSNP rs780942888, ClinGen allele CA8618868.

ClinVar aggregate classification (germline): Conflicting classifications of pathogenicity. Review status: criteria provided, conflicting classifications (1 of 4 stars). 2 submissions from 2 submitters: Uncertain significance (1); Likely benign (1). Last evaluated 2021-09-17.

Conditions:
Koolen-de Vries syndrome (KDVS). Identifiers: Orphanet 96169, MedGen C1864871, MONDO:0012496, OMIM 610443.

Allele frequency attached by ClinVar (database versions not stated): gnomAD 0.00001; gnomAD exomes 0.00001 and 0.00002; TOPMed 0.00001; ExAC 0.00003.
gnomAD v4.1: 15 of 1,607,412 alleles (0.00093%); highest among the groups gnomAD compares: Middle Eastern, 0.017%; no homozygotes.

Submissions (2):

Labcorp Genetics (formerly Invitae), Labcorp
Classification: Uncertain significance for Koolen-de Vries syndrome. Last evaluated: 2021-09-17. Review status: criteria provided, single submitter. Criteria: Invitae Variant Classification Sherloc (09022015). Collection method: clinical testing. Allele origin: germline.

GeneDx
Classification: Likely benign. Last evaluated: 2015-12-31. Review status: criteria provided, single submitter. Criteria: GeneDx Variant Classification (06012015). Collection method: clinical testing. Allele origin: germline. Affected: yes.
Comment: This variant is considered likely benign or benign based on one or more of the following criteria: it is a conservative change, it occurs at a poorly conserved position in the protein, it is predicted to be benign by multiple in silico algorithms, and/or has population frequency not consistent with disease.